The following is an entry in ClinVar:

ClinVar aggregate classification (germline): Uncertain significance (1 of 4 stars; one submission).

Conditions:
Brown-Vialetto-van Laere syndrome 2. Also called: SPINOCEREBELLAR ATAXIA WITH BLINDNESS AND DEAFNESS 2; Riboflavin transporter deficiency type 2. Identifiers: Orphanet 572543, Orphanet 97229, MedGen C3553538, MONDO:0013867, OMIM 614707.

Allele frequency attached by ClinVar (database versions not stated): TOPMed 0.00001; gnomAD exomes 0.00002; gnomAD 0.00002; ExAC 0.00003.
gnomAD v4.1: 20 of 1,612,788 alleles (0.0012%); highest among the groups gnomAD compares: Middle Eastern, 0.016%; no homozygotes.

Submission:

Labcorp Genetics (formerly Invitae), Labcorp
Classification: Uncertain significance for Brown-Vialetto-van Laere syndrome 2. Last evaluated: 2022-05-05. Review status: criteria provided, single submitter. Criteria: Invitae Variant Classification Sherloc (09022015). Collection method: clinical testing. Allele origin: germline.
Comment: This sequence change replaces alanine, which is neutral and non-polar, with threonine, which is neutral and polar, at codon 193 of the SLC52A2 protein (p.Ala193Thr). This variant is present in population databases (rs781928955, gnomAD 0.003%). This variant has not been reported in the literature in individuals affected with SLC52A2-related conditions. ClinVar contains an entry for this variant (Variation ID: 863272). Algorithms developed to predict the effect of missense changes on protein structure and function are either unavailable or do not agree on the potential impact of this missense change (SIFT: "Deleterious"; PolyPhen-2: "Possibly Damaging"; Align-GVGD: "Class C0"). In summary, the available evidence is currently insufficient to determine the role of this variant in disease. Therefore, it has been classified as a Variant of Uncertain Significance.

NM_001363118.2(SLC52A2):c.577G>A (p.Ala193Thr)

Gene: SLC52A2 (solute carrier family 52 member 2; plus strand). Cytogenetic location: 8q24.3.
Variant type: single nucleotide variant.
Coding change: c.577G>A on transcript NM_001363118.2 (MANE Select); coding-DNA position 577, G replaced by A.
Protein change: p.Ala193Thr; replaces alanine 193 with threonine.
Molecular consequence: missense variant. On other transcripts: non-coding transcript variant (1), intron variant (1).
Genome position (GRCh38, 1-based): chr8:144,360,069, G>A. VCF-style: chr8-144360069-G-A. GRCh37 (hg19) VCF-style: chr8-145583729-G-A.
Other names: c.577G>A, p.Ala193Thr (NM_001253815.2, NM_001253816.2, NM_001363120.2 and 2 more transcripts); c.131-46G>A (NM_001363122.2); short protein forms A193T.
Identifiers: ClinVar variation 863272 (VCV000863272.4), dbSNP rs781928955, ClinGen allele CA4938228.